The following is an entry in ClinVar:

ClinVar aggregate classification (germline): Uncertain significance. Review status: criteria provided, multiple submitters, no conflicts (2 of 4 stars). 3 submissions from 3 submitters: Uncertain significance (3). Last evaluated 2025-11-21.

Conditions:
TRIOBP-related disorder. Also called: TRIOBP-related condition.

Allele frequency attached by ClinVar (database versions not stated): gnomAD 0.00005 and 0.00006; TOPMed 0.00006; ESP Exome Variant Server 0.00017.
gnomAD v4.1: 134 of 1,560,456 alleles (0.0086%); highest among the groups gnomAD compares: Non-Finnish European, 0.011%; no homozygotes.

Submissions (3):

PreventionGenetics, part of Exact Sciences
Classification: Uncertain significance for TRIOBP-related condition. Last evaluated: 2025-11-21. Review status: criteria provided, single submitter. Criteria: ACMG Guidelines, 2015. Collection method: clinical testing. Allele origin: germline.
Comment: The TRIOBP c.5273C>A variant is predicted to result in the amino acid substitution p.Thr1758Lys. To our knowledge, this variant has not been reported in the literature. This variant is reported in 0.0063% of alleles in individuals of European (Non-Finnish) descent in gnomAD. At this time, the clinical significance of this variant is uncertain due to the absence of conclusive functional and genetic evidence.

GeneDx
Classification: Uncertain significance. Last evaluated: 2024-11-24. Review status: criteria provided, single submitter. Criteria: GeneDx Variant Classification Process June 2021. Collection method: clinical testing. Allele origin: germline. Affected: yes.
Comment: Not observed at significant frequency in large population cohorts (gnomAD); In silico analysis indicates that this missense variant does not alter protein structure/function; Has not been previously published as pathogenic or benign to our knowledge

Labcorp Genetics (formerly Invitae), Labcorp
Classification: Uncertain significance. Last evaluated: 2024-01-26. Review status: criteria provided, single submitter. Criteria: Invitae Variant Classification Sherloc (09022015). Collection method: clinical testing. Allele origin: germline.
Comment: This sequence change replaces threonine, which is neutral and polar, with lysine, which is basic and polar, at codon 1758 of the TRIOBP protein (p.Thr1758Lys). This variant is present in population databases (rs200859910, gnomAD 0.007%). This variant has not been reported in the literature in individuals affected with TRIOBP-related conditions. ClinVar contains an entry for this variant (Variation ID: 1204927). An algorithm developed to predict the effect of missense changes on protein structure and function (PolyPhen-2) suggests that this variant is likely to be disruptive. In summary, the available evidence is currently insufficient to determine the role of this variant in disease. Therefore, it has been classified as a Variant of Uncertain Significance.

NM_001039141.3(TRIOBP):c.5273C>A (p.Thr1758Lys)

Gene: TRIOBP (TRIO and F-actin binding protein; plus strand). Cytogenetic location: 22q13.1.
Variant type: single nucleotide variant.
Coding change: c.5273C>A on transcript NM_001039141.3 (MANE Select); coding-DNA position 5273, C replaced by A.
Protein change: p.Thr1758Lys; replaces threonine 1758 with lysine.
Molecular consequence: missense variant.
Genome position (GRCh38, 1-based): chr22:37,740,983, C>A. VCF-style: chr22-37740983-C-A. GRCh37 (hg19) VCF-style: chr22-38136990-C-A.
Other names: short protein forms T1758K.
Identifiers: ClinVar variation 1204927 (VCV001204927.9), dbSNP rs200859910, ClinGen allele CA324146680.